The following is an entry in ClinVar:

ClinVar aggregate classification (germline): Conflicting classifications of pathogenicity. Review status: criteria provided, conflicting classifications (1 of 4 stars). 2 submissions from 2 submitters: Likely pathogenic (1); Uncertain significance (1). Last evaluated 2025-05-30.

Submissions (2):

GeneDx
Classification: Uncertain significance. Last evaluated: 2025-05-30. Review status: criteria provided, single submitter. Criteria: GeneDx Variant Classification Process June 2021. Collection method: clinical testing. Allele origin: germline. Affected: yes.
Comment: Nonsense variant predicted to result in protein truncation or nonsense mediated decay in a gene or region of a gene for which loss of function is not a well-established mechanism of disease; Not observed at significant frequency in large population cohorts (gnomAD); Has not been previously published as pathogenic or benign to our knowledge

CeGaT Center for Human Genetics Tuebingen
Classification: Likely pathogenic. Last evaluated: 2024-11-01. Review status: criteria provided, single submitter. Criteria: CeGaT Center For Human Genetics Tuebingen Variant Classification Criteria Version 2. Collection method: clinical testing. Allele origin: germline. Affected: yes. Observed: 1 variant allele.
Comment: TNNI3: PVS1:Strong, PM2

NM_000363.5(TNNI3):c.87T>A (p.Tyr29Ter)

Gene: TNNI3 (troponin I3, cardiac type; minus strand). Cytogenetic location: 19q13.42.
Variant type: single nucleotide variant.
Coding change: c.87T>A on transcript NM_000363.5 (MANE Select); coding-DNA position 87, T replaced by A.
Protein change: p.Tyr29Ter; replaces tyrosine 29 with a stop codon.
Molecular consequence: nonsense.
Genome position (GRCh38, 1-based): chr19:55,157,071, A>T on the plus strand (T>A on the coding strand, the complement: TNNI3 is on the minus strand). VCF-style: chr19-55157071-A-T. GRCh37 (hg19) VCF-style: chr19-55668439-A-T.
Other names: short protein forms Y29*.
Identifiers: ClinVar variation 3390266 (VCV003390266.15).